The following is an entry in ClinVar:

NM_003482.4(KMT2D):c.7478G>T (p.Gly2493Val)

Gene: KMT2D (lysine methyltransferase 2D; minus strand). Cytogenetic location: 12q13.12.
Variant type: single nucleotide variant.
Coding change: c.7478G>T on transcript NM_003482.4 (MANE Select); coding-DNA position 7478, G replaced by T.
Protein change: p.Gly2493Val; replaces glycine 2493 with valine.
Molecular consequence: missense variant.
Genome position (GRCh38, 1-based): chr12:49,040,292, C>A on the plus strand (G>T on the coding strand, the complement: KMT2D is on the minus strand). VCF-style: chr12-49040292-C-A. GRCh37 (hg19) VCF-style: chr12-49434075-C-A.
Other names: short protein forms G2493V.
Identifiers: ClinVar variation 2984505 (VCV002984505.3), dbSNP rs833819, ClinGen allele CA384747625.

ClinVar aggregate classification (germline): Uncertain significance (1 of 4 stars; one submission).

Conditions:
Kabuki syndrome. Also called: NIIKAWA-KUROKI SYNDROME; Kabuki make-up syndrome. Identifiers: Orphanet 2322, MedGen C0796004, MONDO:0016512.

Submission:

Labcorp Genetics (formerly Invitae), Labcorp
Classification: Uncertain significance for Kabuki syndrome. Last evaluated: 2022-12-31. Review status: criteria provided, single submitter. Criteria: Invitae Variant Classification Sherloc (09022015). Collection method: clinical testing. Allele origin: germline.
Comment: In summary, the available evidence is currently insufficient to determine the role of this variant in disease. Therefore, it has been classified as a Variant of Uncertain Significance. Advanced modeling of protein sequence and biophysical properties (such as structural, functional, and spatial information, amino acid conservation, physicochemical variation, residue mobility, and thermodynamic stability) performed at Invitae indicates that this missense variant is not expected to disrupt KMT2D protein function. This variant has not been reported in the literature in individuals affected with KMT2D-related conditions. This variant is not present in population databases (gnomAD no frequency). This sequence change replaces glycine, which is neutral and non-polar, with valine, which is neutral and non-polar, at codon 2493 of the KMT2D protein (p.Gly2493Val).